The following is an entry in ClinVar:

ClinVar aggregate classification (germline): Conflicting classifications of pathogenicity. Review status: criteria provided, conflicting classifications (1 of 4 stars). 4 submissions from 4 submitters: Uncertain significance (1); Likely benign (3). Last evaluated 2026-01-19.

Conditions:
Dilated cardiomyopathy 1W (CMD1W). Identifiers: Orphanet 154, MedGen C1969639, MONDO:0012667, OMIM 611407.
VCL-related disorder. Also called: VCL-related condition.
Cardiovascular phenotype. Identifiers: MedGen CN230736.

Allele frequency attached by ClinVar (database versions not stated): gnomAD exomes 0.00002; ESP Exome Variant Server 0.00008; 1000 Genomes Project 30x 0.00016; TOPMed 0.00016; gnomAD 0.00019; 1000 Genomes Project 0.00020.
gnomAD v4.1: 57 of 1,612,200 alleles (0.0035%); highest among the groups gnomAD compares: African/African-American, 0.051%; no homozygotes.

Submissions (4):

Labcorp Genetics (formerly Invitae), Labcorp
Classification: Likely benign for Dilated cardiomyopathy 1W. Last evaluated: 2026-01-19. Review status: criteria provided, single submitter. Criteria: Invitae Variant Classification Sherloc (09022015). Collection method: clinical testing. Allele origin: germline.

PreventionGenetics, part of Exact Sciences
Classification: Likely benign for VCL-related condition. Last evaluated: 2025-11-18. Review status: criteria provided, single submitter. Criteria: ACMG Guidelines, 2015. Collection method: clinical testing. Allele origin: germline.
Comment: This variant is classified as likely benign based on ACMG/AMP sequence variant interpretation guidelines (Richards et al. 2015 PMID: 25741868, with internal and published modifications).

Illumina Laboratory Services, Illumina
Classification: Uncertain significance for Dilated cardiomyopathy 1W. Last evaluated: 2018-01-13. Review status: criteria provided, single submitter. Criteria: ICSL Variant Classification Criteria 13 December 2019. Collection method: clinical testing. Allele origin: germline.

Ambry Genetics
Classification: Likely benign for Cardiovascular phenotype. Last evaluated: 2017-03-13. Review status: criteria provided, single submitter. Criteria: Ambry Variant Classification Scheme 2023. Collection method: clinical testing. Allele origin: germline.

NM_014000.3(VCL):c.2427C>T (p.Ser809=)

Gene: VCL (vinculin; plus strand). Cytogenetic location: 10q22.2.
Variant type: single nucleotide variant.
Coding change: c.2427C>T on transcript NM_014000.3 (MANE Select); coding-DNA position 2427, C replaced by T.
Protein change: p.Ser809=; no amino-acid change (serine 809 retained).
Molecular consequence: synonymous variant.
Genome position (GRCh38, 1-based): chr10:74,105,346, C>T. VCF-style: chr10-74105346-C-T. GRCh37 (hg19) VCF-style: chr10-75865104-C-T.
Other names: c.2427C>T, p.Ser809= (NM_003373.4).
Identifiers: ClinVar variation 300794 (VCV000300794.21), dbSNP rs183739128, ClinGen allele CA5563211.